The following is an entry in ClinVar:

ClinVar aggregate classification (germline): Uncertain significance (1 of 4 stars; one submission).

Submission:

CeGaT Center for Human Genetics Tuebingen
Classification: Uncertain significance. Last evaluated: 2025-06-01. Review status: criteria provided, single submitter. Criteria: CeGaT Center For Human Genetics Tuebingen Variant Classification Criteria Version 2. Collection method: clinical testing. Allele origin: germline. Affected: yes. Observed: 1 variant allele.
Comment: ASXL2: PM2:Supporting, BP4

NM_018263.6(ASXL2):c.2256C>G (p.Pro752=)

Gene: ASXL2 (ASXL transcriptional regulator 2; minus strand). Cytogenetic location: 2p23.3.
Variant type: single nucleotide variant.
Coding change: c.2256C>G on transcript NM_018263.6 (MANE Select); coding-DNA position 2256, C replaced by G.
Protein change: p.Pro752=; no amino-acid change (proline 752 retained).
Molecular consequence: synonymous variant.
Genome position (GRCh38, 1-based): chr2:25,744,081, G>C on the plus strand (C>G on the coding strand, the complement: ASXL2 is on the minus strand). VCF-style: chr2-25744081-G-C. GRCh37 (hg19) VCF-style: chr2-25966950-G-C.
Other names: c.2082C>G, p.Pro694= (NM_001369346.1); c.1476C>G, p.Pro492= (NM_001369347.1).
Identifiers: ClinVar variation 3905891 (VCV003905891.10).